The following is an entry in ClinVar:

ClinVar aggregate classification (germline): Pathogenic/Likely pathogenic. Review status: criteria provided, multiple submitters, no conflicts (2 of 4 stars). 2 submissions from 2 submitters: Pathogenic (1); Likely pathogenic (1). Last evaluated 2023-11-28.

Submissions (2):

GeneDx
Classification: Likely pathogenic. Last evaluated: 2023-11-28. Review status: criteria provided, single submitter. Criteria: GeneDx Variant Classification Process June 2021. Collection method: clinical testing. Allele origin: germline. Affected: yes.
Comment: Occurs in the triple helical domain and replaces the glycine in the canonical Gly-X-Y repeat; missense substitution of a canonical glycine residue is expected to disrupt normal protein folding and function, and this is an established mechanism of disease (HGMD); Not observed at significant frequency in large population cohorts (gnomAD); In silico analysis supports that this missense variant has a deleterious effect on protein structure/function; Has not been previously published as pathogenic or benign to our knowledge

ARUP Laboratories, Molecular Genetics and Genomics, ARUP Laboratories
Classification: Pathogenic. Last evaluated: 2017-06-07. Review status: criteria provided, single submitter. Criteria: ARUP Molecular Germline Variant Investigation Process. Collection method: clinical testing. Allele origin: germline.

NM_000090.4(COL3A1):c.2096G>T (p.Gly699Val)

Gene: COL3A1 (collagen type III alpha 1 chain; plus strand). Cytogenetic location: 2q32.2.
Variant type: single nucleotide variant.
Coding change: c.2096G>T on transcript NM_000090.4 (MANE Select); coding-DNA position 2096, G replaced by T.
Protein change: p.Gly699Val; replaces glycine 699 with valine.
Molecular consequence: missense variant.
Genome position (GRCh38, 1-based): chr2:188,999,358, G>T. VCF-style: chr2-188999358-G-T. GRCh37 (hg19) VCF-style: chr2-189864084-G-T.
Other names: short protein forms G699V.
Identifiers: ClinVar variation 618030 (VCV000618030.9), dbSNP rs587779706, ClinGen allele CA349840287.